The following is an entry in ClinVar:

NM_000059.4(BRCA2):c.3860del (p.Asn1287fs)

Gene: BRCA2 (BRCA2 DNA repair associated; plus strand). Cytogenetic location: 13q13.1.
Variant type: Deletion.
Coding change: c.3860del on transcript NM_000059.4 (MANE Select); coding-DNA position 3860, one base deleted (A; older notation c.3860delA).
Protein change: p.Asn1287fs; shifts the reading frame from asparagine 1287.
Molecular consequence: frameshift variant.
Genome position (GRCh38, 1-based): chr13:32,338,215, A deleted; the last of 7 consecutive A bases (chr13:32,338,209-32,338,215); deleting any one gives the same sequence. VCF-style (leftmost placement, unchanged base first): chr13-32338208-GA-G. GRCh37 (hg19) VCF-style: chr13-32912345-GA-G.
Other names: 4088delA; 4082delA; 4088DELA; c.3860delA (NM_000059.3); c.3854delA (NM_000059.3); c.3854_3854delA (NM_000059.3).
Identifiers: ClinVar variation 51545 (VCV000051545.93), dbSNP rs80359406, ClinGen allele CA018995.
Genomic context (GRCh38, chr13:32,338,208, plus strand): 5'-TGTCATGATTCTGTTGTTTCAATGTTTAAGATAGAAAATCATAATGATAAAACTGTAAGT[GA>G]AAAAAATAATAAATGCCAACTGATATTACAAAATAATATTGAAATGACTACTGGCACTTT-3'

ClinVar aggregate classification (germline): Pathogenic. Review status: reviewed by expert panel (3 of 4 stars). 31 submissions from 30 submitters: Pathogenic (1). 30 of the submissions do not count toward it. Last evaluated 2016-09-08.

Conditions:
Inherited ovarian cancer (without breast cancer).
Hereditary cancer-predisposing syndrome. Also called: Hereditary Cancer Syndrome; Tumor predisposition; Neoplastic Syndromes, Hereditary; Hereditary neoplastic syndrome. Identifiers: Orphanet 140162, MedGen C0027672, MeSH D009386, MONDO:0015356.
Breast and/or ovarian cancer. Identifiers: MedGen CN221562.
Hereditary breast ovarian cancer syndrome. Also called: Breast and ovarian cancer; BRCA1- and BRCA2-Associated Hereditary Breast and Ovarian Cancer; Hereditary breast and ovarian cancer; Hereditary breast and ovarian cancer syndrome (HBOC); Hereditary breast and ovarian cancer syndrome; Hereditary breast and/or ovarian cancer syndrome. Identifiers: Orphanet 145, MedGen C0677776, MeSH D061325, MONDO:0003582. Disease mechanism: loss of function.
Breast-ovarian cancer, familial, susceptibility to, 2 (BROVCA2). Also called: BRCA2 Hereditary Breast and Ovarian Cancer. Identifiers: Orphanet 145, MedGen C2675520, MONDO:0012933, OMIM 612555. Disease mechanism: loss of function.
Familial cancer of breast. Also called: BREAST CANCER, FAMILIAL; hereditary breast carcinoma; Hereditary breast cancer. Identifiers: Orphanet 227535, MedGen C0346153, MONDO:0016419, OMIM 114480. Disease mechanism: loss of function.
Malignant tumor of breast. Also called: Malignant breast neoplasm; Cancer breast. Identifiers: MedGen C0006142, MONDO:0007254. Disease mechanism: loss of function.

Submissions 1 to 11 of 31:

Evidence-based Network for the Interpretation of Germline Mutant Alleles (ENIGMA)
Classification: Pathogenic for Breast-ovarian cancer, familial, susceptibility to, 2. Last evaluated: 2016-09-08. Review status: reviewed by expert panel. Criteria: ENIGMA BRCA1/2 Classification Criteria (2015). Collection method: curation. Allele origin: germline.
Comment: Variant allele predicted to encode a truncated non-functional protein.

GeneDx
Classification: Pathogenic. Last evaluated: 2026-10-20. Review status: criteria provided, single submitter. Criteria: GeneDx Variant Classification Process June 2021. Collection method: clinical testing. Allele origin: germline. Not counted in ClinVar's aggregate classification.
Comment: Frameshift variant predicted to result in protein truncation or nonsense mediated decay in a gene for which loss of function is a known mechanism of disease; Not observed at significant frequency in large population cohorts (gnomAD); Truncating variants in this gene are considered pathogenic by a well-established clinical consortium and/or database; Also known as 4088del; This variant is associated with the following publications: (PMID: 18821011, 27167707, 34413315, 32438681, 29884136, 11857748, 23199084, 24156927, 12673801, 26843898, 26681312, 26848529, 27393621, 28480178, 29339979, 28724667, 30702160, 31528241, 31825140, 30787465, 31742824, 33087929, 40403695, 32885271, 35803546, 34645131, 35864222, 36495689, 33471991, 38350919, 33461583, 37563628, 39096151, 36627197, 12228710, 38922859)

Genetics Laboratory, Great Ormond Street Hospital NHS Foundation Trust, North Thames Genomic Laboratory Hub
Classification: Pathogenic for Inherited ovarian cancer (without breast cancer). Last evaluated: 2026-06-23. Review status: criteria provided, single submitter. Criteria: CanVIG BRCA Gene Specific V1.22. Collection method: clinical testing. Allele origin: germline. Affected: yes. Not counted in ClinVar's aggregate classification.
Comment: PS4_supporting, PM2_supporting, PVS1_very-strong, PM5_strong

Dasa
Classification: Pathogenic for Breast-ovarian cancer, familial, susceptibility to, 2. Last evaluated: 2026-04-17. Review status: criteria provided, single submitter. Criteria: DASA Assertion Criteria. Collection method: clinical testing. Allele origin: germline. Not counted in ClinVar's aggregate classification.
Comment: NM_000059.4(BRCA2):c.3860del (p.Asn1287IlefsTer6) introduces a premature termination codon predicted to result in loss of normal protein function. Loss-of-function is an established mechanism of disease for this gene. The variant is present at low frequency in population datasets. Based on the available data, this variant is classified as pathogenic.

Labcorp Genetics (formerly Invitae), Labcorp
Classification: Pathogenic for Hereditary breast ovarian cancer syndrome. Last evaluated: 2026-01-16. Review status: criteria provided, single submitter. Criteria: Invitae Variant Classification Sherloc (09022015). Collection method: clinical testing. Allele origin: germline. Not counted in ClinVar's aggregate classification.
Comment: This sequence change creates a premature translational stop signal (p.Asn1287Ilefs*6) in the BRCA2 gene. It is expected to result in an absent or disrupted protein product. Loss-of-function variants in BRCA2 are known to be pathogenic (PMID: 20104584). The frequency data for this variant in the population databases is considered unreliable, as metrics indicate poor data quality at this position in the gnomAD database. This premature translational stop signal has been observed in individual(s) with breast and/or ovarian cancer (PMID: 11857748, 12942367, 12955716, 23199084, 24156927, 27393621). ClinVar contains an entry for this variant (Variation ID: 51545). For these reasons, this variant has been classified as Pathogenic.

GeneKor MSA
Classification: Pathogenic for Hereditary breast ovarian cancer syndrome. Last evaluated: 2025-06-25. Review status: criteria provided, single submitter. Criteria: ACMG Guidelines, 2015. Collection method: clinical testing. Allele origin: germline. Not counted in ClinVar's aggregate classification.
Comment: This is a single nucleotide deletion in exon 11 of the BRCA2 mRNA c.(3860del), causing a frameshift after codon 1287. This creates a premature translational stop signal 6 amino acid residues later p.(Asn1287Ilefs*6) and is expected to result in an absent or disrupted protein product. Truncating variants in BRCA2 are known to be pathogenic (PMID:20104584). This alteration is not present in population databases (rs80359406). This variant has been reported in several male and female individuals and families with breast cancer and in patients with ovarian cancer (PMID:12673801, 12942367, 12955716, 18821011, 24156927, 27393621, 29446198, 32438681, 33471991, 34645131). The mutation database Clinvar contains entries for this variant where it is listed as pathogenic (VCV000051545.79). Based on the classification criteria set by the ACMG and AMP (PMID:25741868) this variant has been classified as pathogenic.

Mayo Clinic Laboratories, Mayo Clinic
Classification: Pathogenic. Last evaluated: 2024-08-05. Review status: criteria provided, single submitter. Criteria: ACMG Guidelines, 2015. Collection method: clinical testing. Allele origin: germline. Observed: 1 variant allele. Not counted in ClinVar's aggregate classification.
Comment: PM5_strong, PVS1

Baylor Genetics
Classification: Pathogenic for Familial cancer of breast. Last evaluated: 2024-02-11. Review status: criteria provided, single submitter. Criteria: ACMG Guidelines, 2015. Collection method: clinical testing. Allele origin: unknown. Not counted in ClinVar's aggregate classification.

Color Diagnostics, LLC DBA Color Health
Classification: Pathogenic for Hereditary cancer-predisposing syndrome. Last evaluated: 2023-11-20. Review status: criteria provided, single submitter. Criteria: ACMG Guidelines, 2015. Collection method: clinical testing. Allele origin: germline. Not counted in ClinVar's aggregate classification.
Comment: This variant deletes 1 nucleotide in exon 11 of the BRCA2 gene, creating a frameshift and premature translation stop signal. This variant is also known as 4088delA in the literature. This variant is expected to result in an absent or non-functional protein product. This variant has been reported in at least 16 individuals affected with breast cancer, including 2 male individuals and 1 individual affected with both breast and ovarian cancer (PMID: 12673801, 12942367, 12955716, 27393621, 32438681, 33471991, 34645131, doi: 10.51505/ijmshr.2021.5213). This variant has been identified in many families affected with breast and/or ovarian cancer and has been reported in 29 families among CIMBA participants (PMID: 18821011, 24156927, 29446198). This variant has not been identified in the general population by the Genome Aggregation Database (gnomAD). Loss of BRCA2 function is a known mechanism of disease. Based on the available evidence, this variant is classified as Pathogenic.

Clinical Genetics Laboratory, Skane University Hospital Lund
Classification: Pathogenic. Last evaluated: 2022-05-27. Review status: criteria provided, single submitter. Criteria: ACMG Guidelines, 2015. Collection method: clinical testing. Allele origin: germline. Affected: yes. Not counted in ClinVar's aggregate classification.

Ambry Genetics
Classification: Pathogenic for Hereditary cancer-predisposing syndrome. Last evaluated: 2022-03-10. Review status: criteria provided, single submitter. Criteria: Ambry Variant Classification Scheme 2023. Collection method: clinical testing. Allele origin: germline. Not counted in ClinVar's aggregate classification.
Comment: The c.3860delA pathogenic mutation, located in coding exon 10 of the BRCA2 gene, results from a deletion of one nucleotide at position 3860, causing a translational frameshift with a predicted alternate stop codon (p.N1287Ifs*6). This alteration has been reported in multiple breast and/or ovarian cancer families to date (Kanaan Y et al. Hum. Genet. 2003 Oct;113(5):452-60; Papi L et al. Breast Cancer Res. Treat. 2009 Oct;117:497-504; Tea MK et al. Maturitas. 2014 Jan;77:68-72; Zhang J et al. Breast Cancer Res Treat. 2016 Aug;158(3):455-62; Heramb C et al. Hered. Cancer Clin. Pract. 2018 Jan;16:3). Of note, this alteration is also designated as 4088delA in published literature. In addition to the clinical data presented in the literature, this alteration is expected to result in loss of function by premature protein truncation or nonsense-mediated mRNA decay. As such, this alteration is interpreted as a disease-causing mutation.